The following is an entry in ClinVar:

NM_000059.4(BRCA2):c.353G>C (p.Arg118Pro)

Gene: BRCA2 (BRCA2 DNA repair associated; plus strand). Cytogenetic location: 13q13.1.
Variant type: single nucleotide variant.
Coding change: c.353G>C on transcript NM_000059.4 (MANE Select); coding-DNA position 353, G replaced by C.
Protein change: p.Arg118Pro; replaces arginine 118 with proline.
Molecular consequence: missense variant.
Genome position (GRCh38, 1-based): chr13:32,325,112, G>C. VCF-style: chr13-32325112-G-C. GRCh37 (hg19) VCF-style: chr13-32899249-G-C.
Other names: short protein forms R118P.
Identifiers: ClinVar variation 664853 (VCV000664853.9), dbSNP rs80358603, ClinGen allele CA387756595.

ClinVar aggregate classification (germline): Uncertain significance (1 of 4 stars; one submission).

Conditions:
Hereditary breast ovarian cancer syndrome. Also called: BRCA1- and BRCA2-Associated Hereditary Breast and Ovarian Cancer; Breast and ovarian cancer; Hereditary breast and ovarian cancer syndrome (HBOC); Hereditary breast and ovarian cancer; Hereditary breast and ovarian cancer syndrome; Hereditary breast and/or ovarian cancer syndrome. Identifiers: Orphanet 145, MedGen C0677776, MeSH D061325, MONDO:0003582. Disease mechanism: loss of function.

Submission:

Labcorp Genetics (formerly Invitae), Labcorp
Classification: Uncertain significance for Hereditary breast ovarian cancer syndrome. Last evaluated: 2018-08-06. Review status: criteria provided, single submitter. Criteria: Invitae Variant Classification Sherloc (09022015). Collection method: clinical testing. Allele origin: germline.
Comment: This sequence change replaces arginine with proline at codon 118 of the BRCA2 protein (p.Arg118Pro). The arginine residue is weakly conserved and there is a moderate physicochemical difference between arginine and proline. This variant is not present in population databases (ExAC no frequency). This variant has not been reported in the literature in individuals with BRCA2-related disease. Algorithms developed to predict the effect of missense changes on protein structure and function are either unavailable or do not agree on the potential impact of this missense change (SIFT: "Tolerated"; PolyPhen-2: "Possibly Damaging"; Align-GVGD: "Class C0"). In summary, the available evidence is currently insufficient to determine the role of this variant in disease. Therefore, it has been classified as a Variant of Uncertain Significance.